The following is an entry in ClinVar:

ClinVar aggregate classification (germline): Uncertain significance (1 of 4 stars; one submission).

Conditions:
Catecholaminergic polymorphic ventricular tachycardia 1. Also called: VENTRICULAR TACHYCARDIA, STRESS-INDUCED POLYMORPHIC 1; VENTRICULAR TACHYCARDIA, CATECHOLAMINERGIC POLYMORPHIC, 1, WITH OR WITHOUT ATRIAL DYSFUNCTION AND/OR DILATED CARDIOMYOPATHY; RYR2-Related Catecholaminergic Polymorphic Ventricular Tachycardia. Identifiers: Orphanet 3286, MedGen C1631597, MONDO:0011484, OMIM 604772.

Submission:

Labcorp Genetics (formerly Invitae), Labcorp
Classification: Uncertain significance for Catecholaminergic polymorphic ventricular tachycardia 1. Last evaluated: 2022-08-09. Review status: criteria provided, single submitter. Criteria: Invitae Variant Classification Sherloc (09022015). Collection method: clinical testing. Allele origin: germline.
Comment: In summary, the available evidence is currently insufficient to determine the role of this variant in disease. Therefore, it has been classified as a Variant of Uncertain Significance. Algorithms developed to predict the effect of sequence changes on RNA splicing suggest that this variant may disrupt the consensus splice site. Algorithms developed to predict the effect of missense changes on protein structure and function are either unavailable or do not agree on the potential impact of this missense change (SIFT: "Tolerated"; PolyPhen-2: "Probably Damaging"; Align-GVGD: "Class C0"). ClinVar contains an entry for this variant (Variation ID: 1052434). This variant has not been reported in the literature in individuals affected with TRDN-related conditions. This variant is not present in population databases (gnomAD no frequency). This sequence change replaces lysine, which is basic and polar, with asparagine, which is neutral and polar, at codon 396 of the TRDN protein (p.Lys396Asn).

NM_006073.4(TRDN):c.1188A>C (p.Lys396Asn)

Gene: TRDN (triadin; minus strand). Cytogenetic location: 6q22.31.
Variant type: single nucleotide variant.
Coding change: c.1188A>C on transcript NM_006073.4 (MANE Select); coding-DNA position 1188, A replaced by C.
Protein change: p.Lys396Asn; replaces lysine 396 with asparagine.
Molecular consequence: missense variant.
Genome position (GRCh38, 1-based): chr6:123,377,897, T>G on the plus strand (A>C on the coding strand, the complement: TRDN is on the minus strand). VCF-style: chr6-123377897-T-G. GRCh37 (hg19) VCF-style: chr6-123699042-T-G.
Other names: c.1191A>C, p.Lys397Asn (NM_001251987.2); short protein forms K396N, K397N.
Identifiers: ClinVar variation 1052434 (VCV001052434.10), dbSNP rs6901953, ClinGen allele CA365566649.